The following is an entry in ClinVar:

NM_001127222.2(CACNA1A):c.6771G>A (p.Ala2257=)

Genes: CACNA1A (calcium voltage-gated channel subunit alpha1 A; minus strand), LOC130063717 (ATAC-STARR-seq lymphoblastoid silent region 10203; plus strand). Cytogenetic location: 19p13.13.
Variant type: single nucleotide variant.
Coding change: c.6771G>A on transcript NM_001127222.2 (MANE Select); coding-DNA position 6771, G replaced by A.
Protein change: p.Ala2257=; no amino-acid change (alanine 2257 retained).
Molecular consequence: synonymous variant.
Genome position (GRCh38, 1-based): chr19:13,208,765, C>T on the plus strand (G>A on the coding strand, the complement: CACNA1A is on the minus strand). VCF-style: chr19-13208765-C-T. GRCh37 (hg19) VCF-style: chr19-13319579-C-T.
Other names: c.6789G>A, p.Ala2263= (NM_000068.4, NM_023035.3); c.6774G>A, p.Ala2258= (NM_001127221.2); c.6780G>A, p.Ala2260= (NM_001174080.2).
Identifiers: ClinVar variation 1031846 (VCV001031846.6), dbSNP rs753884600, ClinGen allele CA505659167.
Genomic context (GRCh38, chr19:13,208,765, plus strand): 5'-TCCCCGCCTCCCGGCCGAGCCCAGCCTGGGGTCACTTGCAGCCGCACCCACCTGCCGGTG[C>T]GCCATGTGCTCTCGGCCCTCGCTGGGCGAGCGGGACCAGCGCTGGTCCCGAGCCCGTGCC-3'
Protein context (NP_001120694.1, residues 2247-2267): RSPSEGREHM[Ala2257=]HRQGSSSVSG

ClinVar aggregate classification (germline): Conflicting classifications of pathogenicity. Review status: criteria provided, conflicting classifications (1 of 4 stars). 2 submissions from 2 submitters: Uncertain significance (1); Likely benign (1). Last evaluated 2025-11-17.

Conditions:
Developmental and epileptic encephalopathy, 42 (DEE42A). Also called: DEVELOPMENTAL AND EPILEPTIC ENCEPHALOPATHY 42A; EPILEPTIC ENCEPHALOPATHY, EARLY INFANTILE, 42A; Epileptic encephalopathy, early infantile, 42. Identifiers: MedGen C4310716, MONDO:0014917, OMIM 617106.
Episodic ataxia type 2 (EA2). Also called: CEREBELLAR ATAXIA, PAROXYSMAL, ACETAZOLAMIDE-RESPONSIVE; CEREBELLOPATHY, HEREDITARY PAROXYSMAL; EPISODIC ATAXIA, NYSTAGMUS-ASSOCIATED; ACETAZOLAMIDE-RESPONSIVE HEREDITARY PAROXYSMAL CEREBELLAR ATAXIA; ATAXIA, EPISODIC, WITH NYSTAGMUS; ATAXIA, FAMILIAL PAROXYSMAL. Identifiers: Orphanet 97, MedGen C1720416, MONDO:0007163, OMIM 108500.

gnomAD v4.1: 8 of 1,574,422 alleles (0.00051%); highest among the groups gnomAD compares: Middle Eastern, 0.045%; no homozygotes.

Submissions (2):

Labcorp Genetics (formerly Invitae), Labcorp
Classification: Likely benign for Developmental and epileptic encephalopathy, 42; Episodic ataxia type 2. Last evaluated: 2025-11-17. Review status: criteria provided, single submitter. Criteria: Invitae Variant Classification Sherloc (09022015). Collection method: clinical testing. Allele origin: germline.

Baylor Genetics
Classification: Uncertain significance for Developmental and epileptic encephalopathy, 42. Last evaluated: 2018-02-05. Review status: criteria provided, single submitter. Criteria: ACMG Guidelines, 2015. Collection method: clinical testing. Allele origin: maternal. Affected: yes.
Comment: This variant was determined to be of uncertain significance according to ACMG Guidelines, 2015 [PMID:25741868].